The following is an entry in ClinVar:

NM_182641.4(BPTF):c.1640C>G (p.Ser547Cys)

Gene: BPTF (bromodomain PHD finger transcription factor; plus strand). Cytogenetic location: 17q24.2.
Variant type: single nucleotide variant.
Coding change: c.1640C>G on transcript NM_182641.4 (MANE Select); coding-DNA position 1640, C replaced by G.
Protein change: p.Ser547Cys; replaces serine 547 with cysteine.
Molecular consequence: missense variant.
Genome position (GRCh38, 1-based): chr17:67,866,667, C>G. VCF-style: chr17-67866667-C-G. GRCh37 (hg19) VCF-style: chr17-65862783-C-G.
Other names: c.1640C>G, p.Ser547Cys (NM_004459.7); short protein forms S547C.
Identifiers: ClinVar variation 3899446 (VCV003899446.1).
Genomic context (GRCh38, chr17:67,866,667, plus strand): 5'-TCCACCGACACATGGACATAACTGAAGACCTGACCAATAAGGCTCGGGGCAGTAACAAAT[C>G]CTTTCTGGCGGCAGCTAATGGTGAGAGGGGCATTTTCTCATTTTATTTTTGTTAAGTCTG-3'
Protein context (NP_872579.2, residues 537-557): LTNKARGSNK[Ser547Cys]FLAAANEEIL

ClinVar aggregate classification (germline): Uncertain significance (1 of 4 stars; one submission).

Submission:

GeneDx
Classification: Uncertain significance. Last evaluated: 2024-11-19. Review status: criteria provided, single submitter. Criteria: GeneDx Variant Classification Process June 2021. Collection method: clinical testing. Allele origin: germline. Affected: yes.
Comment: Not observed at significant frequency in large population cohorts (gnomAD); In silico analysis supports that this missense variant has a deleterious effect on protein structure/function; Has not been previously published as pathogenic or benign to our knowledge